The following is an entry in ClinVar:

ClinVar aggregate classification (germline): Pathogenic (1 of 4 stars; one submission).

Submission:

Labcorp Genetics (formerly Invitae), Labcorp
Classification: Pathogenic. Last evaluated: 2024-08-01. Review status: criteria provided, single submitter. Criteria: Invitae Variant Classification Sherloc (09022015). Collection method: clinical testing. Allele origin: germline.
Comment: This sequence change creates a premature translational stop signal (p.Thr1529Glnfs*6) in the EIF2AK4 gene. It is expected to result in an absent or disrupted protein product. Loss-of-function variants in EIF2AK4 are known to be pathogenic (PMID: 12215525, 24135949, 24292273, 24310610, 28972005, 29743074). This variant is not present in population databases (gnomAD no frequency). This variant has not been reported in the literature in individuals affected with EIF2AK4-related conditions. Algorithms developed to predict the effect of sequence changes on RNA splicing suggest that this variant may disrupt the consensus splice site. For these reasons, this variant has been classified as Pathogenic.

Literature cited by the submitters: PubMed 12215525; PubMed 24135949; PubMed 24292273; PubMed 24310610; PubMed 28972005; PubMed 29743074.

NM_001013703.4(EIF2AK4):c.4585del (p.Thr1529fs)

Gene: EIF2AK4 (eukaryotic translation initiation factor 2 alpha kinase 4; plus strand). Cytogenetic location: 15q15.1.
Variant type: Deletion.
Coding change: c.4585del on transcript NM_001013703.4 (MANE Select); coding-DNA position 4585, one base deleted (A; older notation c.4585delA).
Protein change: p.Thr1529fs; shifts the reading frame from threonine 1529.
Molecular consequence: frameshift variant.
Genome position (GRCh38, 1-based): chr15:40,030,382, A deleted; the last of 2 consecutive A bases (chr15:40,030,381-40,030,382); deleting either gives the same sequence. VCF-style (leftmost placement, unchanged base first): chr15-40030380-CA-C. GRCh37 (hg19) VCF-style: chr15-40322581-CA-C.
Other names: short protein forms T1529fs.
Identifiers: ClinVar variation 3698558 (VCV003698558.2).